The following is an entry in ClinVar:

ClinVar aggregate classification (germline): Likely pathogenic. Review status: criteria provided, multiple submitters, no conflicts (2 of 4 stars). 2 submissions from 2 submitters: Likely pathogenic (2). Last evaluated 2024-01-08.

Conditions:
Cardiomyopathy (CMYO). Also called: Cardiomyopathies. Identifiers: Orphanet 167848, MedGen C0878544, MONDO:0004994, HP:0001638. Inheritance: Various modes of inheritance.
Arrhythmogenic cardiomyopathy with wooly hair and keratoderma. Also called: PALMOPLANTAR KERATODERMA WITH LEFT VENTRICULAR CARDIOMYOPATHY AND WOOLLY HAIR; Carvajal syndrome; Dilated cardiomyopathy with woolly hair and keratoderma; Arrhythmogenic cardiomyopathy with woolly hair and keratoderma. Identifiers: Orphanet 65282, MedGen C1854063, MONDO:0011581, OMIM 605676.

Submissions (2):

Color Diagnostics, LLC DBA Color Health
Classification: Likely pathogenic for Cardiomyopathy. Last evaluated: 2024-01-08. Review status: criteria provided, single submitter. Criteria: ACMG Guidelines, 2015. Collection method: clinical testing. Allele origin: germline.
Comment: This variant replaces 5 nucleotides from the intron 19 splice donor site of the DSP gene with 9 novel nucleotides (c.2793+1_2793+5delinsAACAAAAAG). Splice site prediction tools predict that this variant may have a significant impact on RNA splicing. Although functional studies have not been reported for this variant, it is expected to result in an absent or non-functional protein product. This variant has not been reported in individuals affected with DSP-related disorders in the literature. This variant has not been identified in the general population by the Genome Aggregation Database (gnomAD). Loss of DSP function is a known mechanism of disease. Based on the available evidence, this variant is classified as Likely Pathogenic.

All of Us Research Program, National Institutes of Health
Classification: Likely pathogenic for Arrhythmogenic cardiomyopathy with wooly hair and keratoderma. Last evaluated: 2023-10-23. Review status: criteria provided, single submitter. Criteria: ACMG Guidelines, 2015. Collection method: clinical testing. Allele origin: germline. Inheritance: Autosomal dominant inheritance. Observed: 1 variant allele, 1 heterozygote.
Comment: This variant replaces 5 nucleotides from the intron 19 splice donor site of the DSP gene with 9 novel nucleotides (c.2793+1_2793+5delinsAACAAAAAG). Splice site prediction tools predict that this variant may have a significant impact on RNA splicing. Although functional studies have not been reported for this variant, it is expected to result in an absent or non-functional protein product. This variant has not been reported in individuals affected with DSP-related disorders in the literature. This variant has not been identified in the general population by the Genome Aggregation Database (gnomAD). Loss of DSP function is a known mechanism of disease. Based on the available evidence, this variant is classified as Likely Pathogenic.

This study involves interpretation of variants in research participants for the purpose of population health screening. Participant phenotype was not available at the time of variant classification. Additional details can be found in publication PMID: 35346344, PMCID: PMC8962531

NM_004415.4(DSP):c.2793+1_2793+5delinsAACAAAAAG

Gene: DSP (desmoplakin; plus strand). Cytogenetic location: 6p24.3.
Variant type: Indel.
Coding change: c.2793+1_2793+5delinsAACAAAAAG on transcript NM_004415.4 (MANE Select); the canonical splice donor site of the intron after coding-DNA position 2793 through 5 bases into the intron after coding-DNA position 2793, GTATA replaced by AACAAAAAG.
Molecular consequence: splice donor variant.
Genome position (GRCh38, 1-based): chr6:7,576,457-7,576,461, GTATA replaced by AACAAAAAG. VCF-style: chr6-7576457-GTATA-AACAAAAAG. GRCh37 (hg19) VCF-style: chr6-7576690-GTATA-AACAAAAAG.
Other names: c.2793+1_2793+5delinsAACAAAAAG (NM_001319034.2, NM_001008844.3).
Identifiers: ClinVar variation 3074157 (VCV003074157.2), dbSNP rs2533911853, ClinGen allele CA2825001482.
Genomic context (GRCh38, chr6:7,576,457, plus strand): 5'-TTAGAATCCATGAAATTTGGAGATTCCAACACAGTCATGCGGTTTTTGAATGAGCAGAAG[GTATA>AACAAAAAG]AGCCAACTTTTTGTTCCATAGCTGTTTTGAGATTAATTGGGTGTAATTCATGTTTTCCTC-3'